The following is an entry in ClinVar:

ClinVar aggregate classification (germline): Conflicting classifications of pathogenicity. Review status: criteria provided, conflicting classifications (1 of 4 stars). 3 submissions from 3 submitters: Pathogenic (1); Likely pathogenic (1); Uncertain significance (1). Last evaluated 2021-11-07.

Conditions:
Mucopolysaccharidosis, MPS-IV-A (MPS4A). Also called: Mucopolysaccharidosis type IV A; Mucopolysaccharidosis Type IVA; Morquio syndrome A, mild; MORQUIO SYNDROME A; MPS IVA; mucopolysaccharidosis type 4A. Identifiers: Orphanet 309297, Orphanet 582, MedGen C0086651, MONDO:0009659, OMIM 253000.

Submissions (3):

Genome-Nilou Lab
Classification: Likely pathogenic for Mucopolysaccharidosis, MPS-IV-A. Last evaluated: 2021-11-07. Review status: criteria provided, single submitter. Criteria: ACMG Guidelines, 2015. Collection method: clinical testing. Allele origin: germline. Affected: no.

Laboratory of Diagnosis and Therapy of Lysosomal Disorders, University of Padova
Classification: Uncertain significance for Mucopolysaccharidosis, MPS-IV-A. Last evaluated: 2021-02-01. Review status: criteria provided, single submitter. Criteria: ACMG Guidelines, 2015. Collection method: curation. Allele origin: germline. Affected: yes.
Comment: In vivo functional studies supportive of a damaging effect on the gene product (low to null enzymatic activity in homozygotes; PS3_supporting); absent from gnomAD v2.1.1 (PM2_moderate); multiple lines of computational evidence support a deleterious effect on the gene (PP3_supporting)

Labcorp Genetics (formerly Invitae), Labcorp
Classification: Pathogenic for Mucopolysaccharidosis, MPS-IV-A. Last evaluated: 2020-06-13. Review status: criteria provided, single submitter. Criteria: Invitae Variant Classification Sherloc (09022015). Collection method: clinical testing. Allele origin: germline.
Comment: For these reasons, this variant has been classified as Pathogenic. Algorithms developed to predict the effect of missense changes on protein structure and function are either unavailable or do not agree on the potential impact of this missense change (SIFT: "Deleterious"; PolyPhen-2: "Probably Damaging"; Align-GVGD: "Class C0"). This variant has been observed to be homozygous or in combination with another GALNS variant in several individuals affected with mucopolysaccharidosis type IVA (PMID: 25252036, Invitae). This variant is not present in population databases (ExAC no frequency). This sequence change replaces proline with leucine at codon 52 of the GALNS protein (p.Pro52Leu). The proline residue is moderately conserved and there is a moderate physicochemical difference between proline and leucine.

Literature cited by the submitters: PubMed 25252036 (cited by Laboratory of Diagnosis and Therapy of Lysosomal Disorders, University of Padova and Labcorp Genetics (formerly Invitae), Labcorp); PubMed 34387910 (cited by Laboratory of Diagnosis and Therapy of Lysosomal Disorders, University of Padova).

NM_000512.5(GALNS):c.155C>T (p.Pro52Leu)

Gene: GALNS (galactosamine (N-acetyl)-6-sulfatase; minus strand). Cytogenetic location: 16q24.3.
Variant type: single nucleotide variant.
Coding change: c.155C>T on transcript NM_000512.5 (MANE Select); coding-DNA position 155, C replaced by T.
Protein change: p.Pro52Leu; replaces proline 52 with leucine.
Molecular consequence: missense variant. On other transcripts: intron variant (1).
Genome position (GRCh38, 1-based): chr16:88,842,795, G>A on the plus strand (C>T on the coding strand, the complement: GALNS is on the minus strand). VCF-style: chr16-88842795-G-A. GRCh37 (hg19) VCF-style: chr16-88909203-G-A.
Other names: c.173C>T, p.Pro58Leu (NM_001323544.2); c.-311-824C>T (NM_001323543.2); short protein forms P52L, P58L.
Identifiers: ClinVar variation 1048264 (VCV001048264.15), dbSNP rs2143005523, ClinGen allele CA397091889.